The following is an entry in ClinVar:

ClinVar aggregate classification (germline): Uncertain significance. Review status: criteria provided, single submitter (1 of 4 stars). 2 submissions from 2 submitters: Uncertain significance (1). 1 of the submissions does not count toward it. Last evaluated 2025-08-22.

Conditions:
NUMA1-related disorder. Also called: NUMA1-related condition.

Allele frequency attached by ClinVar (database versions not stated): ESP Exome Variant Server 0.00015; gnomAD exomes 0.00017; gnomAD 0.00029; ExAC 0.00037; TOPMed 0.00038.
gnomAD v4.1: 325 of 1,614,088 alleles (0.02%); highest among the groups gnomAD compares: Admixed American, 0.14%; 2 homozygotes.

Submissions (2):

Ambry Genetics
Classification: Uncertain significance. Last evaluated: 2025-08-22. Review status: criteria provided, single submitter. Criteria: Ambry Variant Classification Scheme 2023. Collection method: clinical testing. Allele origin: germline.

PreventionGenetics, part of Exact Sciences
Classification: Likely benign for NUMA1-related condition. Last evaluated: 2019-08-28. Review status: no assertion criteria provided. Collection method: clinical testing. Allele origin: germline. Not counted in ClinVar's aggregate classification.
Comment: This variant is classified as likely benign based on ACMG/AMP sequence variant interpretation guidelines (Richards et al. 2015 PMID: 25741868, with internal and published modifications).

NM_006185.4(NUMA1):c.1396A>C (p.Ser466Arg)

Genes: NUMA1 (nuclear mitotic apparatus protein 1; minus strand), NUMA1-AS1 (NUMA1 antisense RNA 1; plus strand). Cytogenetic location: 11q13.4.
Variant type: single nucleotide variant.
Coding change: c.1396A>C on transcript NM_006185.4 (MANE Select); coding-DNA position 1396, A replaced by C.
Protein change: p.Ser466Arg; replaces serine 466 with arginine.
Molecular consequence: missense variant.
Genome position (GRCh38, 1-based): chr11:72,016,107, T>G on the plus strand (A>C on the coding strand, the complement: NUMA1 is on the minus strand). VCF-style: chr11-72016107-T-G. GRCh37 (hg19) VCF-style: chr11-71727153-T-G.
Other names: c.1396A>C, p.Ser466Arg (NM_001286561.2); c.1396A>C (NM_006185.2); short protein forms S466R.
Identifiers: ClinVar variation 3052407 (VCV003052407.3), dbSNP rs200749852, ClinGen allele CA6167618.